The following is an entry in ClinVar:

ClinVar aggregate classification (germline): Likely benign. Review status: criteria provided, multiple submitters, no conflicts (2 of 4 stars). 2 submissions from 2 submitters: Likely benign (2). Last evaluated 2025-10-13.

Conditions:
NEXN-related disorder. Also called: NEXN-related condition; NEXN-related disorders.
Dilated cardiomyopathy 1CC (CMD1CC). Identifiers: Orphanet 154, MedGen C2751084, MONDO:0013147, OMIM 613122.
Hypertrophic cardiomyopathy 20. Identifiers: MedGen C3151267, MONDO:0013477, OMIM 613876.

Allele frequency attached by ClinVar (database versions not stated): TOPMed below 0.00001; ExAC 0.00001; gnomAD exomes 0.00001; gnomAD 0.00002.

Submissions (2):

PreventionGenetics, part of Exact Sciences
Classification: Likely benign for NEXN-related condition. Last evaluated: 2025-10-13. Review status: criteria provided, single submitter. Criteria: ACMG Guidelines, 2015. Collection method: clinical testing. Allele origin: germline.
Comment: This variant is classified as likely benign based on ACMG/AMP sequence variant interpretation guidelines (Richards et al. 2015 PMID: 25741868, with internal and published modifications).

Labcorp Genetics (formerly Invitae), Labcorp
Classification: Likely benign for Dilated cardiomyopathy 1CC; Hypertrophic cardiomyopathy 20. Last evaluated: 2025-03-26. Review status: criteria provided, single submitter. Criteria: Invitae Variant Classification Sherloc (09022015). Collection method: clinical testing. Allele origin: germline.

NM_144573.4(NEXN):c.1659+9C>T

Gene: NEXN (nexilin F-actin binding protein; plus strand). Cytogenetic location: 1p31.1.
Variant type: single nucleotide variant.
Coding change: c.1659+9C>T on transcript NM_144573.4 (MANE Select); 9 bases into the intron after coding-DNA position 1659, C replaced by T.
Molecular consequence: intron variant.
Genome position (GRCh38, 1-based): chr1:77,942,217, C>T. VCF-style: chr1-77942217-C-T. GRCh37 (hg19) VCF-style: chr1-78407902-C-T.
Other names: c.1659+9C>T (NM_144573.3); c.1467+9C>T (NM_001172309.2).
Identifiers: ClinVar variation 2937378 (VCV002937378.4), dbSNP rs757797714, ClinGen allele CA918947.
Genomic context (GRCh38, chr1:77,942,217, plus strand): 5'-GTTACTACGCATGCAGTTTGAACAAAGGGAAATTGATGCAGCACTACAAAAGGTACCAGG[C>T]TTATGTATCCTTTATTTTCCAAAGATGCCCTCTTAAAACCCATAGTTTTATAATTAGGTA-3'